The following is an entry in ClinVar:

ClinVar aggregate classification (germline): Uncertain significance (1 of 4 stars; one submission).

Conditions:
Neurofibromatosis, type 1 (NF1). Also called: VON RECKLINGHAUSEN DISEASE; NEUROFIBROMATOSIS, TYPE I, SOMATIC; Peripheral type neurofibromatosis; Neurofibromatosis, type I. Identifiers: Orphanet 636, MedGen C0027831, MONDO:0018975, OMIM 162200. Disease mechanism: loss of function.

Allele frequency attached by ClinVar (database versions not stated): gnomAD exomes below 0.00001.
gnomAD v4.1: 1 of 1,613,974 alleles (0.000062%); no homozygotes.

Submission:

Labcorp Genetics (formerly Invitae), Labcorp
Classification: Uncertain significance for Neurofibromatosis, type 1. Last evaluated: 2020-11-19. Review status: criteria provided, single submitter. Criteria: Invitae Variant Classification Sherloc (09022015). Collection method: clinical testing. Allele origin: germline.
Comment: This sequence change replaces proline with serine at codon 388 of the NF1 protein (p.Pro388Ser). The proline residue is highly conserved and there is a moderate physicochemical difference between proline and serine. This variant is not present in population databases (ExAC no frequency). This variant has not been reported in the literature in individuals with NF1-related conditions. Advanced modeling of protein sequence and biophysical properties (such as structural, functional, and spatial information, amino acid conservation, physicochemical variation, residue mobility, and thermodynamic stability) performed at Invitae indicates that this missense variant is expected to disrupt NF1 protein function. In summary, the available evidence is currently insufficient to determine the role of this variant in disease. Therefore, it has been classified as a Variant of Uncertain Significance.

NM_001042492.3(NF1):c.1162C>T (p.Pro388Ser)

Gene: NF1 (neurofibromin 1; plus strand). Cytogenetic location: 17q11.2.
Variant type: single nucleotide variant.
Coding change: c.1162C>T on transcript NM_001042492.3 (MANE Select); coding-DNA position 1162, C replaced by T.
Protein change: p.Pro388Ser; replaces proline 388 with serine.
Molecular consequence: missense variant.
Genome position (GRCh38, 1-based): chr17:31,201,136, C>T. VCF-style: chr17-31201136-C-T. GRCh37 (hg19) VCF-style: chr17-29528154-C-T.
Other names: c.1162C>T, p.Pro388Ser (NM_000267.4, NM_001128147.3); short protein forms P388S.
Identifiers: ClinVar variation 1501590 (VCV001501590.8), dbSNP rs2143880229, ClinGen allele CA398997203.